The following is an entry in ClinVar:

NM_001282531.3(ADNP):c.2189G>A (p.Arg730Gln)

Gene: ADNP (activity dependent neuroprotector homeobox; minus strand). Cytogenetic location: 20q13.13.
Variant type: single nucleotide variant.
Coding change: c.2189G>A on transcript NM_001282531.3 (MANE Select); coding-DNA position 2189, G replaced by A.
Protein change: p.Arg730Gln; replaces arginine 730 with glutamine.
Molecular consequence: missense variant.
Genome position (GRCh38, 1-based): chr20:50,892,525, C>T on the plus strand (G>A on the coding strand, the complement: ADNP is on the minus strand). VCF-style: chr20-50892525-C-T. GRCh37 (hg19) VCF-style: chr20-49509062-C-T.
Other names: c.2189G>A, p.Arg730Gln (NM_001282532.2, NM_001347511.2, NM_015339.5 and 1 more transcripts); c.2189G>A (NM_001282531.2); short protein forms R730Q.
Identifiers: ClinVar variation 1300622 (VCV001300622.11), dbSNP rs377051194, ClinGen allele CA9908625.

ClinVar aggregate classification (germline): Conflicting classifications of pathogenicity. Review status: criteria provided, conflicting classifications (1 of 4 stars). 5 submissions from 5 submitters: Uncertain significance (1); Likely benign (3). 1 of the submissions does not count toward it. Last evaluated 2025-01-23.

Conditions:
ADNP-related multiple congenital anomalies - intellectual disability - autism spectrum disorder. Also called: Helsmoortel-Van der Aa Syndrome; ADNP-Related Helsmoortel-Van der Aa Syndrome. Identifiers: Orphanet 404448, MedGen C4014538, MONDO:0014379, OMIM 615873. Disease mechanism: loss of function.
ADNP-related disorder. Also called: ADNP-related condition.
Inborn genetic diseases. Identifiers: MedGen C0950123, MeSH D030342.

Allele frequency attached by ClinVar (database versions not stated): ExAC 0.00002; TOPMed 0.00002; gnomAD 0.00003; gnomAD exomes 0.00003; ESP Exome Variant Server 0.00008.
gnomAD v4.1: 51 of 1,614,042 alleles (0.0032%); highest among the groups gnomAD compares: Non-Finnish European, 0.0042%; no homozygotes.

Submissions (5):

Labcorp Genetics (formerly Invitae), Labcorp
Classification: Likely benign. Last evaluated: 2025-01-23. Review status: criteria provided, single submitter. Criteria: Invitae Variant Classification Sherloc (09022015). Collection method: clinical testing. Allele origin: germline.

Revvity Omics, Revvity
Classification: Uncertain significance for ADNP-related multiple congenital anomalies - intellectual disability - autism spectrum disorder. Last evaluated: 2022-09-19. Review status: criteria provided, single submitter. Criteria: ACMG Guidelines, 2015. Collection method: clinical testing. Allele origin: germline.

Ambry Genetics
Classification: Likely benign for Inborn genetic diseases. Last evaluated: 2021-05-19. Review status: criteria provided, single submitter. Criteria: Ambry Variant Classification Scheme 2023. Collection method: clinical testing. Allele origin: germline.

GeneDx
Classification: Likely benign. Last evaluated: 2021-03-01. Review status: criteria provided, single submitter. Criteria: GeneDx Variant Classification Process June 2021. Collection method: clinical testing. Allele origin: germline. Affected: yes.

PreventionGenetics, part of Exact Sciences
Classification: Likely benign for ADNP-related condition. Last evaluated: 2023-04-27. Review status: no assertion criteria provided. Collection method: clinical testing. Allele origin: germline. Not counted in ClinVar's aggregate classification.
Comment: This variant is classified as likely benign based on ACMG/AMP sequence variant interpretation guidelines (Richards et al. 2015 PMID: 25741868, with internal and published modifications).